The following is an entry in ClinVar:

ClinVar aggregate classification (germline): Uncertain significance (1 of 4 stars; one submission).

Conditions:
Joubert syndrome. Also called: Familial aplasia of the vermis; CEREBELLOPARENCHYMAL DISORDER IV; JOUBERT-BOLTSHAUSER SYNDROME. Identifiers: Orphanet 475, MedGen C5979921, MONDO:0018772.
Meckel-Gruber syndrome. Also called: Dysencephalia splachnocystica; DYSENCEPHALIA SPLANCHNOCYSTICA; GRUBER SYNDROME. Identifiers: Orphanet 564, MedGen C0265215, MONDO:0018921.

Submission:

Labcorp Genetics (formerly Invitae), Labcorp
Classification: Uncertain significance for Joubert syndrome; Meckel-Gruber syndrome. Last evaluated: 2022-01-15. Review status: criteria provided, single submitter. Criteria: Invitae Variant Classification Sherloc (09022015). Collection method: clinical testing. Allele origin: germline.
Comment: This sequence change replaces lysine, which is basic and polar, with glutamic acid, which is acidic and polar, at codon 482 of the RPGRIP1L protein (p.Lys482Glu). This variant is not present in population databases (gnomAD no frequency). This variant has not been reported in the literature in individuals affected with RPGRIP1L-related conditions. ClinVar contains an entry for this variant (Variation ID: 1011240). Algorithms developed to predict the effect of missense changes on protein structure and function are either unavailable or do not agree on the potential impact of this missense change (SIFT: "Deleterious"; PolyPhen-2: "Benign"; Align-GVGD: "Class C15"). In summary, the available evidence is currently insufficient to determine the role of this variant in disease. Therefore, it has been classified as a Variant of Uncertain Significance.

NM_015272.5(RPGRIP1L):c.1444A>G (p.Lys482Glu)

Gene: RPGRIP1L (RPGRIP1 like; minus strand). Cytogenetic location: 16q12.2.
Variant type: single nucleotide variant.
Coding change: c.1444A>G on transcript NM_015272.5 (MANE Select); coding-DNA position 1444, A replaced by G.
Protein change: p.Lys482Glu; replaces lysine 482 with glutamic acid.
Molecular consequence: missense variant.
Genome position (GRCh38, 1-based): chr16:53,657,590, T>C on the plus strand (A>G on the coding strand, the complement: RPGRIP1L is on the minus strand). VCF-style: chr16-53657590-T-C. GRCh37 (hg19) VCF-style: chr16-53691502-T-C.
Other names: c.1444A>G, p.Lys482Glu (NM_001127897.4, NM_001308334.3, NM_001330538.2); short protein forms K482E.
Identifiers: ClinVar variation 1011240 (VCV001011240.6), dbSNP rs1967376456, ClinGen allele CA395919163.